The following is an entry in ClinVar:

NM_000548.5(TSC2):c.1913T>G (p.Val638Gly)

Gene: TSC2 (TSC complex subunit 2; plus strand). Cytogenetic location: 16p13.3.
Variant type: single nucleotide variant.
Coding change: c.1913T>G on transcript NM_000548.5 (MANE Select); coding-DNA position 1913, T replaced by G.
Protein change: p.Val638Gly; replaces valine 638 with glycine.
Molecular consequence: missense variant. On other transcripts: non-coding transcript variant (5).
Genome position (GRCh38, 1-based): chr16:2,071,583, T>G. VCF-style: chr16-2071583-T-G. GRCh37 (hg19) VCF-style: chr16-2121584-T-G.
Other names: c.1913T>G, p.Val638Gly (NM_001114382.3, NM_001363528.2, NM_001370404.1 and 6 more transcripts); c.1802T>G, p.Val601Gly (NM_001318827.2, NM_001406670.1, NM_001406678.1); c.1766T>G, p.Val589Gly (NM_001318829.2, NM_001406675.1, NM_001406676.1 and 1 more transcripts); c.1313T>G, p.Val438Gly (NM_001318831.2, NM_001406680.1, NM_001406682.1 and 6 more transcripts); c.1946T>G, p.Val649Gly (NM_001318832.2); c.2003T>G, p.Val668Gly (NM_001406667.1, NM_001406668.1); c.1901T>G, p.Val634Gly (NM_001406671.1, NM_001406673.1); c.1856T>G, p.Val619Gly (NM_001406677.1); and 3 more; short protein forms V104G, V438G, V484G, V634G, V668G, V190G, V638G, V589G.
Identifiers: ClinVar variation 4557646 (VCV004557646.1).

ClinVar aggregate classification (germline): Uncertain significance (1 of 4 stars; one submission).

Conditions:
Hereditary cancer-predisposing syndrome. Also called: Tumor predisposition; Hereditary Cancer Syndrome; Hereditary neoplastic syndrome; Neoplastic Syndromes, Hereditary. Identifiers: Orphanet 140162, MedGen C0027672, MeSH D009386, MONDO:0015356.

Submission:

Ambry Genetics
Classification: Uncertain significance for Hereditary cancer-predisposing syndrome. Last evaluated: 2025-12-06. Review status: criteria provided, single submitter. Criteria: Ambry Variant Classification Scheme 2023. Collection method: clinical testing. Allele origin: germline.
Comment: The p.V638G variant (also known as c.1913T>G), located in coding exon 17 of the TSC2 gene, results from a T to G substitution at nucleotide position 1913. The valine at codon 638 is replaced by glycine, an amino acid with dissimilar properties. This amino acid position is conserved. In addition, this alteration is predicted to be deleterious by in silico analysis. Based on the available evidence, the clinical significance of this variant remains unclear.